The following is an entry in ClinVar:

NM_001080432.3(FTO):c.37G>T (p.Glu13Ter)

Gene: FTO (FTO alpha-ketoglutarate dependent dioxygenase; plus strand). Cytogenetic location: 16q12.2.
Variant type: single nucleotide variant.
Coding change: c.37G>T on transcript NM_001080432.3 (MANE Select); coding-DNA position 37, G replaced by T.
Protein change: p.Glu13Ter; replaces glutamic acid 13 with a stop codon.
Molecular consequence: nonsense.
Genome position (GRCh38, 1-based): chr16:53,704,221, G>T. VCF-style: chr16-53704221-G-T. GRCh37 (hg19) VCF-style: chr16-53738133-G-T.
Other names: c.37G>T, p.Glu13Ter (NM_001363891.2, NM_001363894.2, NM_001363896.2 and 7 more transcripts); c.-656G>T (NM_001363905.2); short protein forms E13*.
Identifiers: ClinVar variation 3250480 (VCV003250480.3), dbSNP rs2544857861.

ClinVar aggregate classification (germline): not provided (0 of 4 stars; one submission).

Conditions:
Lethal polymalformative syndrome, Boissel type. Also called: GROWTH RETARDATION, DEVELOPMENTAL DELAY, AND FACIAL DYSMORPHISM. Identifiers: Orphanet 210144, MedGen C2752001, MONDO:0013050, OMIM 612938.

gnomAD v4.1: 1 of 1,551,520 alleles (0.000064%); highest among the groups gnomAD compares: South Asian, 0.0012%; no homozygotes.

Submission:

Royal Medical Services, Bahrain Defence Force Hospital
No classification provided. Condition: Lethal polymalformative syndrome, Boissel type. Review status: no classification provided. Collection method: phenotyping only. Allele origin: biparental. Inheritance: Autosomal recessive inheritance. Affected: yes. Observed: 3 variant alleles, 3 homozygotes. Clinical features observed: Coronary sinus enlargement, Dandy-Walker malformation, Seizure, Skeletal dysplasia, Vocal cord paralysis, Abnormality of the face, Cerebellar hypoplasia, Depressed nasal bridge, Flexion contracture, Hypoglycemia, Limb undergrowth, Low-set ears, and 11 more. Segregation with disease observed.
Comment: The FTO c.37G>T p.(Glu13*) variant has been identified in the homozygous state in three unrelated affected probands with overlapping clinical features consistent with autosomal recessive growth retardation, developmental delay, and facial dysmorphism. Segregation analysis in all three families confirmed that both parents are heterozygous carriers of the FTO c.37G>T variant, consistent with autosomal recessive inheritance. The variant introduces a premature termination codon in exon 1 and is predicted to escape nonsense-mediated decay. Additional supporting evidence includes the presence of other homozygous patients with overlapping phenotypes in the CENTOGENE Biodatabank, a mouse model demonstrating severe developmental abnormalities associated with Fto loss of function (PMID:17241623), and the established association of biallelic FTO variants with this disorder (PMID:26378117). Based on this cumulative evidence, the testing laboratory (CENTOGENE) reclassified the variant from Variant of Uncertain Significance to Likely Pathogenic according to its implementation of the ACMG/AMP/ClinGen SVI guidelines. This ClinVar submission has been updated to reflect the laboratory's revised classification together with the additional case-level evidence from three unrelated families.

Literature cited by the submitters: PubMed 17241623; PubMed 26378117.